The following is an entry in ClinVar:

ClinVar aggregate classification (germline): Uncertain significance. Review status: criteria provided, multiple submitters, no conflicts (2 of 4 stars). 2 submissions from 2 submitters: Uncertain significance (2). Last evaluated 2025-09-04.

Conditions:
Cardiovascular phenotype. Identifiers: MedGen CN230736.
Cardiomyopathy (CMYO). Also called: Cardiomyopathies. Identifiers: Orphanet 167848, MedGen C0878544, MONDO:0004994, HP:0001638. Inheritance: Various modes of inheritance.

Allele frequency attached by ClinVar (database versions not stated): gnomAD 0.00001; gnomAD exomes 0.00001; TOPMed 0.00001.
gnomAD v4.1: 14 of 1,608,148 alleles (0.00087%); highest among the groups gnomAD compares: African/African-American, 0.0013%; no homozygotes.

Submissions (2):

Ambry Genetics
Classification: Uncertain significance for Cardiovascular phenotype. Last evaluated: 2025-09-04. Review status: criteria provided, single submitter. Criteria: Ambry Variant Classification Scheme 2023. Collection method: clinical testing. Allele origin: germline.
Comment: The p.T51I variant (also known as c.152C>T), located in coding exon 5 of the TNNI3 gene, results from a C to T substitution at nucleotide position 152. The threonine at codon 51 is replaced by isoleucine, an amino acid with similar properties. This amino acid position is conserved. In addition, this alteration is predicted to be tolerated by in silico analysis. Based on the available evidence, the clinical significance of this variant remains unclear.

Color Diagnostics, LLC DBA Color Health
Classification: Uncertain significance for Cardiomyopathy. Last evaluated: 2018-12-18. Review status: criteria provided, single submitter. Criteria: ACMG Guidelines, 2015. Collection method: clinical testing. Allele origin: germline.
Comment: Variant of Uncertain Significance due to insufficient evidence: This variant replaces threonine with isoleucine at codon 51 of the TNNI3 protein. Computational prediction tools and conservation analyses are inconclusive regarding the impact of this variant on the protein function. Computational splicing tools suggest that this variant may not impact RNA splicing. To our knowledge, functional assays have not been performed for this variant nor has this variant been reported in individuals affected with cardiovascular disorders in the literature. This variant is rare in the general population and has been identified in 0/277264 chromosomes by the Genome Aggregation Database (gnomAD). Available evidence is insufficient to determine the pathogenicity of this variant conclusively.

NM_000363.5(TNNI3):c.152C>T (p.Thr51Ile)

Gene: TNNI3 (troponin I3, cardiac type; minus strand). Cytogenetic location: 19q13.42.
Variant type: single nucleotide variant.
Coding change: c.152C>T on transcript NM_000363.5 (MANE Select); coding-DNA position 152, C replaced by T.
Protein change: p.Thr51Ile; replaces threonine 51 with isoleucine.
Molecular consequence: missense variant.
Genome position (GRCh38, 1-based): chr19:55,156,331, G>A on the plus strand (C>T on the coding strand, the complement: TNNI3 is on the minus strand). VCF-style: chr19-55156331-G-A. GRCh37 (hg19) VCF-style: chr19-55667699-G-A.
Other names: short protein forms T51I.
Identifiers: ClinVar variation 926865 (VCV000926865.4), dbSNP rs1366283106, ClinGen allele CA407442118.
Genomic context (GRCh38, chr19:55,156,331, plus strand): 5'-TCTCCGCGCCGCTCCTCCGCCTCTCGCTCCAGCTCTTGCTTTGCAATCTGCAGCAGCAGA[G>A]TCTGCAGAGGGGTGGGAGGGAAGCGCAGCCCACCCGGGGCTTCAGGATAAAGACCAGGCG-3'
Protein context (NP_000354.4, residues 41-61): ISASRKLQLK[Thr51Ile]LLLQIAKQEL